The following is an entry in ClinVar:

ClinVar aggregate classification (germline): Likely benign. Review status: criteria provided, single submitter (1 of 4 stars). 2 submissions from 2 submitters: Likely benign (1). 1 of the submissions does not count toward it. Last evaluated 2022-10-07.

Conditions:
Charcot-Marie-Tooth disease type 4. Also called: Charcot-Marie-Tooth, Type 4; Charcot-Marie-Tooth disease, type IV. Identifiers: Orphanet 64749, MedGen C4082197, MONDO:0018995.
FGD4-related disorder. Also called: FGD4-related condition.

Allele frequency attached by ClinVar (database versions not stated): ExAC 0.00004; TOPMed 0.00001; gnomAD 0.00003.
gnomAD v4.1: 44 of 1,613,948 alleles (0.0027%); highest among the groups gnomAD compares: South Asian, 0.047%; no homozygotes.

Submissions (2):

Labcorp Genetics (formerly Invitae), Labcorp
Classification: Likely benign for Charcot-Marie-Tooth disease type 4. Last evaluated: 2022-10-07. Review status: criteria provided, single submitter. Criteria: Invitae Variant Classification Sherloc (09022015). Collection method: clinical testing. Allele origin: germline.

PreventionGenetics, part of Exact Sciences
Classification: Likely benign for FGD4-related condition. Last evaluated: 2020-03-25. Review status: no assertion criteria provided. Collection method: clinical testing. Allele origin: germline. Not counted in ClinVar's aggregate classification.
Comment: This variant is classified as likely benign based on ACMG/AMP sequence variant interpretation guidelines (Richards et al. 2015 PMID: 25741868, with internal and published modifications).

NM_001370298.3(FGD4):c.1200C>T (p.Phe400=)

Gene: FGD4 (FYVE, RhoGEF and PH domain containing 4; plus strand). Cytogenetic location: 12p11.21.
Variant type: single nucleotide variant.
Coding change: c.1200C>T on transcript NM_001370298.3 (MANE Select); coding-DNA position 1200, C replaced by T.
Protein change: p.Phe400=; no amino-acid change (phenylalanine 400 retained).
Molecular consequence: synonymous variant. On other transcripts: 5 prime UTR variant (1).
Genome position (GRCh38, 1-based): chr12:32,601,376, C>T. VCF-style: chr12-32601376-C-T. GRCh37 (hg19) VCF-style: chr12-32754310-C-T.
Other names: c.1044C>T, p.Phe348= (NM_001304481.2); c.45C>T, p.Phe15= (NM_001304483.2); c.-263C>T (NM_001304484.2); c.510C>T, p.Phe170= (NM_001330373.2, NM_001330374.2, NM_001384130.1); c.237C>T, p.Phe79= (NM_001370297.1); c.1200C>T, p.Phe400= (NM_001384126.1); c.789C>T, p.Phe263= (NM_001384127.1, NM_001384128.1, NM_001385118.1 and 1 more transcripts).
Identifiers: ClinVar variation 2074095 (VCV002074095.6), dbSNP rs764489415, ClinGen allele CA6506717.
Genomic context (GRCh38, chr12:32,601,376, plus strand): 5'-CTCGTTTCCAGCAGAGATGGTGAATAAAATCTTTTCTAATATTTCATCAATAAATGCCTT[C>T]CATAGTAAATTCCTCTTGCCAGAGCTGGAGAAACGAATGCAAGAATGGTAAGAGGAGTAG-3'
Protein context (NP_001357227.2, residues 390-410): IFSNISSINA[Phe400=]HSKFLLPELE